The following is an entry in ClinVar:

ClinVar aggregate classification (germline): Benign/Likely benign. Review status: criteria provided, multiple submitters, no conflicts (2 of 4 stars). 5 submissions from 5 submitters: Benign (1); Likely benign (3). 1 of the submissions does not count toward it. Last evaluated 2025-10-01.

Conditions:
LAMA5-related disorder. Also called: LAMA5-Related Disorders; LAMA5-related condition.

Allele frequency attached by ClinVar (database versions not stated): 1000 Genomes Project 0.00060; 1000 Genomes Project 30x 0.00062; gnomAD exomes 0.00259 and 0.00420; TOPMed 0.00259; gnomAD 0.00275 and 0.00282; ExAC 0.00280; ESP Exome Variant Server 0.00438.
gnomAD v4.1: 6,615 of 1,609,348 alleles (0.41%); highest among the groups gnomAD compares: Non-Finnish European, 0.5%; 19 homozygotes.

Submissions (5):

Labcorp Genetics (formerly Invitae), Labcorp
Classification: Benign. Last evaluated: 2025-10-01. Review status: criteria provided, single submitter. Criteria: Invitae Variant Classification Sherloc (09022015). Collection method: clinical testing. Allele origin: germline.

Blueprint Genetics
Classification: Likely benign. Last evaluated: 2024-11-23. Review status: criteria provided, single submitter. Criteria: ACMG Guidelines, 2015. Collection method: clinical testing. Allele origin: germline.

CeGaT Center for Human Genetics Tuebingen
Classification: Likely benign. Last evaluated: 2021-03-01. Review status: criteria provided, single submitter. Criteria: CeGaT Center For Human Genetics Tuebingen Variant Classification Criteria Version 2. Collection method: clinical testing. Allele origin: germline. Affected: yes. Observed: 1 variant allele.

Breakthrough Genomics
Classification: Likely benign. Review status: criteria provided, single submitter. Criteria: ACMG Guidelines, 2015. Collection method: not provided. Allele origin: germline. Inheritance: Autosomal recessive inheritance. Affected: yes.

PreventionGenetics, part of Exact Sciences
Classification: Benign for LAMA5-related condition. Last evaluated: 2021-03-03. Review status: no assertion criteria provided. Collection method: clinical testing. Allele origin: germline. Not counted in ClinVar's aggregate classification.
Comment: This variant is classified as benign based on ACMG/AMP sequence variant interpretation guidelines (Richards et al. 2015 PMID: 25741868, with internal and published modifications).

NM_005560.6(LAMA5):c.8091G>C (p.Leu2697=)

Gene: LAMA5 (laminin subunit alpha 5; minus strand). Cytogenetic location: 20q13.33.
Variant type: single nucleotide variant.
Coding change: c.8091G>C on transcript NM_005560.6 (MANE Select); coding-DNA position 8091, G replaced by C.
Protein change: p.Leu2697=; no amino-acid change (leucine 2697 retained).
Molecular consequence: synonymous variant.
Genome position (GRCh38, 1-based): chr20:62,314,904, C>G on the plus strand (G>C on the coding strand, the complement: LAMA5 is on the minus strand). VCF-style: chr20-62314904-C-G. GRCh37 (hg19) VCF-style: chr20-60889960-C-G.
Identifiers: ClinVar variation 780191 (VCV000780191.46), dbSNP rs41296219, ClinGen allele CA9940880.
Genomic context (GRCh38, chr20:62,314,904, plus strand): 5'-GCCAATGCTGGCGGACAGGGCCAGGCTGGCGTTGTGCACCCCACGGTTCTCCAGGATGCT[C>G]AGCTTGGCCAGCAGCTGGGGCAGCGTCTTCTCCAGGGTGGACACTGCAGAGAGGGAGACC-3'
Protein context (NP_005551.3, residues 2687-2707): EKTLPQLLAK[Leu2697=]SILENRGVHN